The following is an entry in ClinVar:

ClinVar aggregate classification (germline): Uncertain significance (1 of 4 stars; one submission).

Conditions:
GRN-related frontotemporal lobar degeneration with Tdp43 inclusions (FTD2). Also called: DEMENTIA, HEREDITARY DYSPHASIC DISINHIBITION; FRONTOTEMPORAL LOBAR DEGENERATION WITH UBIQUITIN-POSITIVE INCLUSIONS; FTLD-TDP, GRN-RELATED; FRONTOTEMPORAL DEMENTIA WITH TDP43 INCLUSIONS, GRN-RELATED; GRN Frontotemporal Dementia. Identifiers: Orphanet 100070, Orphanet 282, MedGen C1843792, MONDO:0011842, OMIM 607485. Disease mechanism: loss of function.
Neuronal ceroid lipofuscinosis 11. Also called: GRN-Related Neuronal Ceroid-Lipofuscinosis. Identifiers: Orphanet 314629, Orphanet 79262, MedGen C3539123, MONDO:0013866, OMIM 614706.

Allele frequency attached by ClinVar (database versions not stated): gnomAD below 0.00001 and 0.00003; TOPMed 0.00001; gnomAD exomes 0.00005 and 0.00011; ExAC 0.00012; 1000 Genomes Project 30x 0.00062.

Submission:

Labcorp Genetics (formerly Invitae), Labcorp
Classification: Uncertain significance for Neuronal ceroid lipofuscinosis 11; GRN-related frontotemporal lobar degeneration with Tdp43 inclusions. Last evaluated: 2025-11-18. Review status: criteria provided, single submitter. Criteria: Invitae Variant Classification Sherloc (09022015). Collection method: clinical testing. Allele origin: germline.
Comment: This sequence change falls in intron 10 of the GRN gene. It does not directly change the encoded amino acid sequence of the GRN protein. It affects a nucleotide within the consensus splice site. This variant is present in population databases (rs752440929, gnomAD 0.08%), including at least one homozygous and/or hemizygous individual. This variant has not been reported in the literature in individuals affected with GRN-related conditions. ClinVar contains an entry for this variant (Variation ID: 863089). Variants that disrupt the consensus splice site are a relatively common cause of aberrant splicing (PMID: 17576681, 9536098). Algorithms developed to predict the effect of sequence changes on RNA splicing suggest that this variant may disrupt the consensus splice site. In summary, the available evidence is currently insufficient to determine the role of this variant in disease. Therefore, it has been classified as a Variant of Uncertain Significance.

Literature cited by the submitters: PubMed 17576681; PubMed 9536098.

NM_002087.4(GRN):c.1179+4_1179+8del

Gene: GRN (granulin precursor; plus strand). Cytogenetic location: 17q21.31.
Variant type: Deletion.
Coding change: c.1179+4_1179+8del on transcript NM_002087.4 (MANE Select); bases 4 to 8 of the intron after coding-DNA position 1179, 5 bases deleted (TATGG; older notation c.1179+4_1179+8delTATGG).
Molecular consequence: intron variant.
Genome position (GRCh38, 1-based): chr17:44,351,799-44,351,803, TATGG deleted. VCF-style (leftmost placement, unchanged base first): chr17-44351798-ATATGG-A. GRCh37 (hg19) VCF-style: chr17-42429166-ATATGG-A.
Identifiers: ClinVar variation 863089 (VCV000863089.8), dbSNP rs752440929, ClinGen allele CA8602114.
Genomic context (GRCh38, chr17:44,351,798, plus strand): 5'-CTCCGATACCTGCTGCCAACTCACGTCTGGGGAGTGGGGCTGCTGTCCAATCCCAGAGGT[ATATGG>A]GAGGGGACAGCATCTTGGCCTGGGCAGGTGGGTGGCCAAGCTCCTATTGCTTTCTGCCCT-3'